The following is an entry in ClinVar:

ClinVar aggregate classification (germline): Likely benign (1 of 4 stars; one submission).

gnomAD v4.1: 146 of 1,613,722 alleles (0.009%); highest among the groups gnomAD compares: East Asian, 0.2%; no homozygotes.

Submission:

CeGaT Center for Human Genetics Tuebingen
Classification: Likely benign. Last evaluated: 2025-05-01. Review status: criteria provided, single submitter. Criteria: CeGaT Center For Human Genetics Tuebingen Variant Classification Criteria Version 2. Collection method: clinical testing. Allele origin: germline. Affected: yes. Observed: 1 variant allele.
Comment: ANGPT2: BP4, BS1

NM_001118887.2(ANGPT2):c.770A>T (p.Asn257Ile)

Genes: ANGPT2 (angiopoietin 2; minus strand), MCPH1 (microcephalin 1; plus strand). Cytogenetic location: 8p23.1.
Variant type: single nucleotide variant.
Coding change: c.770A>T on transcript NM_001118887.2 (MANE Select); coding-DNA position 770, A replaced by T.
Protein change: p.Asn257Ile; replaces asparagine 257 with isoleucine.
Molecular consequence: missense variant. On other transcripts: intron variant (6).
Genome position (GRCh38, 1-based): chr8:6,521,207, T>A on the plus strand (A>T on the coding strand, the complement: ANGPT2 is on the minus strand). VCF-style: chr8-6521207-T-A. GRCh37 (hg19) VCF-style: chr8-6378728-T-A.
Other names: c.614A>T, p.Asn205Ile (NM_001118888.2, NM_001386335.1); c.770A>T, p.Asn257Ile (NM_001147.3, NM_001386336.1, NM_001386337.1); c.2214+21278T>A (NM_001322042.2, NM_024596.5, NM_001363979.1 and 2 more transcripts); c.1935+65955T>A (NM_001363980.2); short protein forms N205I, N257I.
Identifiers: ClinVar variation 3905230 (VCV003905230.10).